The following is an entry in ClinVar:

NM_005359.6(SMAD4):c.4G>C (p.Asp2His)

Gene: SMAD4 (SMAD family member 4; plus strand). Cytogenetic location: 18q21.2.
Variant type: single nucleotide variant.
Coding change: c.4G>C on transcript NM_005359.6 (MANE Select); coding-DNA position 4, G replaced by C.
Protein change: p.Asp2His; replaces aspartic acid 2 with histidine.
Molecular consequence: missense variant.
Genome position (GRCh38, 1-based): chr18:51,047,050, G>C. VCF-style: chr18-51047050-G-C. GRCh37 (hg19) VCF-style: chr18-48573420-G-C.
Other names: c.4G>C, p.Asp2His (NM_001407041.1, NM_001407042.1, NM_001407043.1); short protein forms D2H.
Identifiers: ClinVar variation 2094119 (VCV002094119.4), dbSNP rs1555684979, ClinGen allele CA402457195.
Genomic context (GRCh38, chr18:51,047,050, plus strand): 5'-TCAAAATTGCTTCAGAAATTGGAGACATATTTGATTTAAAAGGAAAAACTTGAACAAATG[G>C]ACAATATGTCTATTACGAATACACCAACAAGTAATGATGCCTGTCTGAGCATTGTGCATA-3'
Protein context (NP_005350.1, residues 1-12): M[Asp2His]NMSITNTPTS

ClinVar aggregate classification (germline): Uncertain significance (1 of 4 stars; one submission).

Conditions:
Juvenile polyposis syndrome (JPS). Identifiers: Orphanet 2929, MedGen C0345893, MONDO:0017380, OMIM 174900.

Submission:

Labcorp Genetics (formerly Invitae), Labcorp
Classification: Uncertain significance for Juvenile polyposis syndrome. Last evaluated: 2024-02-05. Review status: criteria provided, single submitter. Criteria: Invitae Variant Classification Sherloc (09022015). Collection method: clinical testing. Allele origin: germline.
Comment: This sequence change replaces aspartic acid, which is acidic and polar, with histidine, which is basic and polar, at codon 2 of the SMAD4 protein (p.Asp2His). This variant is not present in population databases (gnomAD no frequency). This variant has not been reported in the literature in individuals affected with SMAD4-related conditions. ClinVar contains an entry for this variant (Variation ID: 2094119). Advanced modeling of protein sequence and biophysical properties (such as structural, functional, and spatial information, amino acid conservation, physicochemical variation, residue mobility, and thermodynamic stability) has been performed at Invitae for this missense variant, however the output from this modeling did not meet the statistical confidence thresholds required to predict the impact of this variant on SMAD4 protein function. In summary, the available evidence is currently insufficient to determine the role of this variant in disease. Therefore, it has been classified as a Variant of Uncertain Significance.